The following is an entry in ClinVar:

NM_001706.5(BCL6):c.143C>T (p.Thr48Met)

Gene: BCL6 (BCL6 transcription repressor; minus strand). Cytogenetic location: 3q27.3.
Variant type: single nucleotide variant.
Coding change: c.143C>T on transcript NM_001706.5 (MANE Select); coding-DNA position 143, C replaced by T.
Protein change: p.Thr48Met; replaces threonine 48 with methionine.
Molecular consequence: missense variant.
Genome position (GRCh38, 1-based): chr3:187,733,551, G>A on the plus strand (C>T on the coding strand, the complement: BCL6 is on the minus strand). VCF-style: chr3-187733551-G-A. GRCh37 (hg19) VCF-style: chr3-187451339-G-A.
Other names: c.143C>T, p.Thr48Met (NM_001130845.2, NM_001134738.2); short protein forms T48M.
Identifiers: ClinVar variation 133669 (VCV000133669.1), dbSNP rs200263685, ClinGen allele CA157267.
Genomic context (GRCh38, chr3:187,733,551, plus strand): 5'-CCCCACTTTGACTTACCCACCCTTTCCTTTCAGATCCCTCACCTGCAGGCCATGAGGACC[G>A]TTTTATGGGCTCTAAACTGCTCACGGCTCACAACAATGACAACATCAGTCAAGATGTCTC-3'
Protein context (NP_001697.2, residues 38-58): VSREQFRAHK[Thr48Met]VLMACSGLFY

ClinVar aggregate classification (germline): not provided (0 of 4 stars; one submission).

Allele frequency attached by ClinVar (database versions not stated): gnomAD 0.00010 and 0.00011; gnomAD exomes 0.00015 and 0.00006; TOPMed 0.00015; ExAC 0.00018; ESP Exome Variant Server 0.00023.
gnomAD v4.1: 109 of 1,613,812 alleles (0.0068%); highest among the groups gnomAD compares: Admixed American, 0.062%; no homozygotes.

Submission:

ITMI
No classification provided. Condition: AllHighlyPenetrant. Last evaluated: 2013-09-19. Review status: no classification provided. Collection method: reference population. Allele origin: germline.
Comment: Please see associated publication for description of ethnicities

Literature cited by the submitters: PubMed 24728327.